The following is an entry in ClinVar:

ClinVar aggregate classification (germline): Pathogenic (1 of 4 stars; one submission).

Conditions:
Sessile serrated polyposis cancer syndrome (SSPCS). Identifiers: Orphanet 157798, MedGen C4310714, MONDO:0014919, OMIM 617108.

Submission:

Myriad Genetics, Inc.
Classification: Pathogenic for Sessile serrated polyposis cancer syndrome. Last evaluated: 2025-12-15. Review status: criteria provided, single submitter. Criteria: Myriad Autosomal Dominant, Autosomal Recessive and X-Linked Classification Criteria (2023). Collection method: clinical testing. Allele origin: unknown.
Comment: This variant is considered pathogenic. This variant creates a frameshift predicted to result in premature protein truncation.

NM_017763.6(RNF43):c.1016_1017del (p.Leu339fs)

Gene: RNF43 (ring finger protein 43; minus strand). Cytogenetic location: 17q22.
Variant type: Deletion.
Coding change: c.1016_1017del on transcript NM_017763.6 (MANE Select); coding-DNA positions 1016 to 1017, 2 bases deleted (TC; older notation c.1016_1017delTC).
Protein change: p.Leu339fs; shifts the reading frame from leucine 339.
Molecular consequence: frameshift variant.
Genome position (GRCh38, 1-based): chr17:58,358,759-58,358,760, GA deleted on the plus strand (TC on the coding strand, the reverse complement: RNF43 is on the minus strand); deleting any 2 consecutive bases within chr17:58,358,759-58,358,761 gives the same sequence; the c. name uses the placement nearest the transcript's 3' end. VCF-style (leftmost placement, unchanged base first): chr17-58358758-GGA-G. GRCh37 (hg19) VCF-style: chr17-56436119-GGA-G.
Other names: c.1016_1017del, p.Leu339fs (NM_001305544.3, NM_001438820.1, NM_001438821.1 and 1 more transcripts); c.635_636del, p.Leu212fs (NM_001305545.2, NM_001437987.1); short protein forms L212fs, L339fs.
Identifiers: ClinVar variation 4812955 (VCV004812955.1).